The following is an entry in ClinVar:

ClinVar aggregate classification (germline): Likely pathogenic (1 of 4 stars; one submission).

Conditions:
MEGF10-related disorder. Also called: MEGF10-related condition.

Submission:

Greenwood Genetic Center Diagnostic Laboratories, Greenwood Genetic Center
Classification: Likely pathogenic for MEGF10-related disorder. Last evaluated: 2025-05-27. Review status: criteria provided, single submitter. Criteria: ACMG Guidelines, 2015. Collection method: clinical testing. Allele origin: germline. Affected: yes.
Comment: PVS1, PM2

NM_001256545.2(MEGF10):c.2007_2008del (p.Ala670fs)

Gene: MEGF10 (multiple EGF like domains 10; plus strand). Cytogenetic location: 5q23.2.
Variant type: Microsatellite.
Coding change: c.2007_2008del on transcript NM_001256545.2 (MANE Select); coding-DNA positions 2007 to 2008, 2 bases deleted (TG; older notation c.2007_2008delTG).
Protein change: p.Ala670fs; shifts the reading frame from alanine 670.
Molecular consequence: frameshift variant.
Genome position (GRCh38, 1-based): chr5:127,435,392-127,435,393, TG deleted; deleting any 2 consecutive bases within chr5:127,435,390-127,435,393 gives the same sequence; the c. name uses the placement nearest the transcript's 3' end. VCF-style (leftmost placement, unchanged base first): chr5-127435389-CTG-C. GRCh37 (hg19) VCF-style: chr5-126771081-CTG-C.
Other names: c.2007_2008del, p.Ala670fs (NM_032446.3); short protein forms A670fs.
Identifiers: ClinVar variation 4538263 (VCV004538263.1).